The following is an entry in ClinVar:

NM_182972.3(IRF2BP2):c.1177C>A (p.Pro393Thr)

Gene: IRF2BP2 (interferon regulatory factor 2 binding protein 2; minus strand). Cytogenetic location: 1q42.3.
Variant type: single nucleotide variant.
Coding change: c.1177C>A on transcript NM_182972.3 (MANE Select); coding-DNA position 1177, C replaced by A.
Protein change: p.Pro393Thr; replaces proline 393 with threonine.
Molecular consequence: missense variant.
Genome position (GRCh38, 1-based): chr1:234,607,724, G>T on the plus strand (C>A on the coding strand, the complement: IRF2BP2 is on the minus strand). VCF-style: chr1-234607724-G-T. GRCh37 (hg19) VCF-style: chr1-234743470-G-T.
Other names: c.1129C>A, p.Pro377Thr (NM_001077397.1); short protein forms P393T, P377T.
Identifiers: ClinVar variation 2882071 (VCV002882071.3), dbSNP rs1672201599, ClinGen allele CA345306744.
Genomic context (GRCh38, chr1:234,607,724, plus strand): 5'-TGGTCCGGTTGGAATGAGGTGAGGCAGTGGGTGGTGGCGGAGACACAAAAGAGGATGTAG[G>T]AGTCATGGGGATCTTGAGCCCCTCTGTGGATGTGGACAGCCACGGCTGGGCCTCTCCGTT-3'
Protein context (NP_892017.2, residues 383-403): STEGLKIPMT[Pro393Thr]TSSFVSPPPP

ClinVar aggregate classification (germline): Uncertain significance (1 of 4 stars; one submission).

Submission:

Labcorp Genetics (formerly Invitae), Labcorp
Classification: Uncertain significance. Last evaluated: 2023-08-23. Review status: criteria provided, single submitter. Criteria: Invitae Variant Classification Sherloc (09022015). Collection method: clinical testing. Allele origin: germline.
Comment: This variant has not been reported in the literature in individuals affected with IRF2BP2-related conditions. In summary, the available evidence is currently insufficient to determine the role of this variant in disease. Therefore, it has been classified as a Variant of Uncertain Significance. An algorithm developed to predict the effect of missense changes on protein structure and function (PolyPhen-2) suggests that this variant is likely to be disruptive. This variant is not present in population databases (gnomAD no frequency). This sequence change replaces proline, which is neutral and non-polar, with threonine, which is neutral and polar, at codon 393 of the IRF2BP2 protein (p.Pro393Thr).